The following is an entry in ClinVar:

NM_003742.4(ABCB11):c.164C>A (p.Ser55Ter)

Gene: ABCB11 (ATP binding cassette subfamily B member 11; minus strand). Cytogenetic location: 2q31.1.
Variant type: single nucleotide variant.
Coding change: c.164C>A on transcript NM_003742.4 (MANE Select); coding-DNA position 164, C replaced by A.
Protein change: p.Ser55Ter; replaces serine 55 with a stop codon.
Molecular consequence: nonsense.
Genome position (GRCh38, 1-based): chr2:169,013,497, G>T on the plus strand (C>A on the coding strand, the complement: ABCB11 is on the minus strand). VCF-style: chr2-169013497-G-T. GRCh37 (hg19) VCF-style: chr2-169870007-G-T.
Other names: NM_003742.4(ABCB11):c.164C>A; p.Ser55Ter; short protein forms S55*.
Identifiers: ClinVar variation 1454766 (VCV001454766.7), dbSNP rs1447134419, ClinGen allele CA349105882.

ClinVar aggregate classification (germline): Pathogenic/Likely pathogenic. Review status: criteria provided, multiple submitters, no conflicts (2 of 4 stars). 2 submissions from 2 submitters: Pathogenic (1); Likely pathogenic (1). Last evaluated 2025-02-04.

Conditions:
Progressive familial intrahepatic cholestasis type 2. Identifiers: Orphanet 79304, MedGen C3489789, MONDO:0011156, OMIM 601847.

Allele frequency attached by ClinVar (database versions not stated): gnomAD 0.00001.
gnomAD v4.1: 1 of 1,612,846 alleles (0.000062%); highest among the groups gnomAD compares: Non-Finnish European, 0.000085%; no homozygotes.

Submissions (2):

Broad Center for Mendelian Genomics, Broad Institute of MIT and Harvard
Classification: Likely pathogenic for Progressive familial intrahepatic cholestasis type 2. Last evaluated: 2025-02-04. Review status: criteria provided, single submitter. Criteria: ACMG Guidelines, 2015. Collection method: curation. Allele origin: germline. Inheritance: Autosomal recessive inheritance.
Comment: The p.Ser55Ter variant in ABCB11 has not been previously reported in the literature in individuals with BSEP deficiency, but has been identified in 0.00008% (1/1179296) of European (non-Finnish) chromosomes by the Genome Aggregation Database (gnomAD; dbSNP rs1447134419). Although this variant has been seen in the general population in a heterozygous state, its frequency is low enough to be consistent with a recessive carrier frequency. This variant has also been reported in ClinVar (Variation ID: 1454766) and has been interpreted as pathogenic by Invitae. This nonsense variant leads to a premature termination codon at position 55, which is predicted to lead to a truncated or absent protein. Loss of function of the ABCB11 gene is an established disease mechanism in autosomal recessive BSEP deficiency. In summary, although additional studies are required to fully establish its clinical significance, this variant is likely pathogenic for autosomal recessive BSEP deficiency. ACMG/AMP Criteria applied: PVS1, PM2_supporting (Richards 2015).

Labcorp Genetics (formerly Invitae), Labcorp
Classification: Pathogenic. Last evaluated: 2022-02-03. Review status: criteria provided, single submitter. Criteria: Invitae Variant Classification Sherloc (09022015). Collection method: clinical testing. Allele origin: germline.
Comment: For these reasons, this variant has been classified as Pathogenic. This variant has not been reported in the literature in individuals affected with ABCB11-related conditions. This variant is present in population databases (no rsID available, gnomAD 0.007%). This sequence change creates a premature translational stop signal (p.Ser55*) in the ABCB11 gene. It is expected to result in an absent or disrupted protein product. Loss-of-function variants in ABCB11 are known to be pathogenic (PMID: 18395098, 20232290).

Literature cited by the submitters: PubMed 18395098 (cited by Labcorp Genetics (formerly Invitae), Labcorp); PubMed 20232290 (cited by Labcorp Genetics (formerly Invitae), Labcorp).